The following is an entry in ClinVar:

ClinVar aggregate classification (germline): Benign/Likely benign. Review status: criteria provided, multiple submitters, no conflicts (2 of 4 stars). 4 submissions from 4 submitters: Benign (1); Likely benign (2). 1 of the submissions does not count toward it. Last evaluated 2026-06-01.

Conditions:
ZNF462-related disorder. Also called: ZNF462 related disease; ZNF462-related condition.

Allele frequency attached by ClinVar (database versions not stated): 1000 Genomes Project 0.00020; 1000 Genomes Project 30x 0.00031; TOPMed 0.00042; gnomAD 0.00046 and 0.00048; ExAC 0.00049; gnomAD exomes 0.00051 and 0.00071; ESP Exome Variant Server 0.00085.
gnomAD v4.1: 1,083 of 1,597,522 alleles (0.068%); highest among the groups gnomAD compares: Non-Finnish European, 0.081%; 1 homozygote.

Submissions (4):

CeGaT Center for Human Genetics Tuebingen
Classification: Likely benign. Last evaluated: 2026-06-01. Review status: criteria provided, single submitter. Criteria: CeGaT Center For Human Genetics Tuebingen Variant Classification Criteria Version 2. Collection method: clinical testing. Allele origin: germline. Affected: yes. Observed: 3 variant alleles.
Comment: ZNF462: BP4, BP7

Blueprint Genetics
Classification: Likely benign. Last evaluated: 2024-09-18. Review status: criteria provided, single submitter. Criteria: ACMG Guidelines, 2015. Collection method: clinical testing. Allele origin: germline.

Labcorp Genetics (formerly Invitae), Labcorp
Classification: Benign. Last evaluated: 2019-12-31. Review status: criteria provided, single submitter. Criteria: Invitae Variant Classification Sherloc (09022015). Collection method: clinical testing. Allele origin: germline.

PreventionGenetics, part of Exact Sciences
Classification: Likely benign for ZNF462-related condition. Last evaluated: 2019-03-08. Review status: no assertion criteria provided. Collection method: clinical testing. Allele origin: germline. Not counted in ClinVar's aggregate classification.
Comment: This variant is classified as likely benign based on ACMG/AMP sequence variant interpretation guidelines (Richards et al. 2015 PMID: 25741868, with internal and published modifications).

NM_021224.6(ZNF462):c.238T>C (p.Leu80=)

Gene: ZNF462 (zinc finger protein 462; plus strand). Cytogenetic location: 9q31.2.
Variant type: single nucleotide variant.
Coding change: c.238T>C on transcript NM_021224.6 (MANE Select); coding-DNA position 238, T replaced by C.
Protein change: p.Leu80=; no amino-acid change (leucine 80 retained).
Molecular consequence: synonymous variant.
Genome position (GRCh38, 1-based): chr9:106,924,150, T>C. VCF-style: chr9-106924150-T-C. GRCh37 (hg19) VCF-style: chr9-109686431-T-C.
Other names: c.238T>C, p.Leu80= (NM_001347997.2); c.238T>C (NM_021224.5).
Identifiers: ClinVar variation 725948 (VCV000725948.28), dbSNP rs41277819, ClinGen allele CA5171124.
Genomic context (GRCh38, chr9:106,924,150, plus strand): 5'-AATTATCTTTTGCTTTGTCACTTTCCTTATGCTTTTTCTTTAGGTCAAAATGCAACTTCA[T>C]TGGGGACCGGAGGTTACTATGGCCACAGTCCAGGATATTATGGTCAGCATATTGCCGCTA-3'
Protein context (NP_067047.4, residues 70-90): EDLSGQNATS[Leu80=]GTGGYYGHSP